The following is an entry in ClinVar:

ClinVar aggregate classification (germline): Uncertain significance. Review status: criteria provided, multiple submitters, no conflicts (2 of 4 stars). 2 submissions from 2 submitters: Uncertain significance (2). Last evaluated 2022-11-15.

Conditions:
Hereditary cancer-predisposing syndrome. Also called: Hereditary neoplastic syndrome; Hereditary Cancer Syndrome; Tumor predisposition; Neoplastic Syndromes, Hereditary. Identifiers: Orphanet 140162, MedGen C0027672, MeSH D009386, MONDO:0015356.
Neuroblastoma, susceptibility to, 3. Also called: ALK-Related Neuroblastic Tumor Susceptibility. Identifiers: Orphanet 635, MedGen C2751681, MONDO:0013083, OMIM 613014.

Submissions (2):

Labcorp Genetics (formerly Invitae), Labcorp
Classification: Uncertain significance for Neuroblastoma, susceptibility to, 3. Last evaluated: 2022-11-15. Review status: criteria provided, single submitter. Criteria: Invitae Variant Classification Sherloc (09022015). Collection method: clinical testing. Allele origin: germline.
Comment: This variant is not present in population databases (gnomAD no frequency). In summary, the available evidence is currently insufficient to determine the role of this variant in disease. Therefore, it has been classified as a Variant of Uncertain Significance. Algorithms developed to predict the effect of missense changes on protein structure and function (SIFT, PolyPhen-2, Align-GVGD) all suggest that this variant is likely to be disruptive. ClinVar contains an entry for this variant (Variation ID: 965181). This variant has not been reported in the literature in individuals affected with ALK-related conditions. This sequence change replaces cysteine, which is neutral and slightly polar, with tyrosine, which is neutral and polar, at codon 487 of the ALK protein (p.Cys487Tyr).

Ambry Genetics
Classification: Uncertain significance for Hereditary cancer-predisposing syndrome. Last evaluated: 2022-07-02. Review status: criteria provided, single submitter. Criteria: Ambry Variant Classification Scheme 2023. Collection method: clinical testing. Allele origin: germline.
Comment: The p.C487Y variant (also known as c.1460G>A), located in coding exon 7 of the ALK gene, results from a G to A substitution at nucleotide position 1460. The cysteine at codon 487 is replaced by tyrosine, an amino acid with highly dissimilar properties. This amino acid position is conserved. In addition, the in silico prediction for this alteration is inconclusive. Since supporting evidence is limited at this time, the clinical significance of this alteration remains unclear.

NM_004304.5(ALK):c.1460G>A (p.Cys487Tyr)

Gene: ALK (ALK receptor tyrosine kinase; minus strand). Cytogenetic location: 2p23.2.
Variant type: single nucleotide variant.
Coding change: c.1460G>A on transcript NM_004304.5 (MANE Select); coding-DNA position 1460, G replaced by A.
Protein change: p.Cys487Tyr; replaces cysteine 487 with tyrosine.
Molecular consequence: missense variant.
Genome position (GRCh38, 1-based): chr2:29,320,837, C>T on the plus strand (G>A on the coding strand, the complement: ALK is on the minus strand). VCF-style: chr2-29320837-C-T. GRCh37 (hg19) VCF-style: chr2-29543703-C-T.
Other names: short protein forms C487Y.
Identifiers: ClinVar variation 965181 (VCV000965181.12), dbSNP rs1667015469, ClinGen allele CA346472527.
Genomic context (GRCh38, chr2:29,320,837, plus strand): 5'-TTTAGGGTCCTGACCTGCCATTGAGGAGTGTGGGGTGACAGTGTGCCTTGGGTCCAGCCA[C>T]AGAAGCCATCTTCAAAGTTGCAGTAAAAACCCACAGGCAGTTTCCCTATGGAGAGAGCAG-3'
Protein context (NP_004295.2, residues 477-497): GFYCNFEDGF[Cys487Tyr]GWTQGTLSPH